The following is an entry in ClinVar:

ClinVar aggregate classification (germline): Pathogenic (1 of 4 stars; one submission).

Submission:

Labcorp Genetics (formerly Invitae), Labcorp
Classification: Pathogenic. Last evaluated: 2026-01-06. Review status: criteria provided, single submitter. Criteria: Invitae Variant Classification Sherloc (09022015). Collection method: clinical testing. Allele origin: germline.
Comment: This sequence change creates a premature translational stop signal (p.Gln276Lysfs*27) in the ATP6V0A4 gene. It is expected to result in an absent or disrupted protein product. Loss-of-function variants in ATP6V0A4 are known to be pathogenic (PMID: 12414817, 16611712). This variant is not present in population databases (gnomAD no frequency). This variant has not been reported in the literature in individuals affected with ATP6V0A4-related conditions. For these reasons, this variant has been classified as Pathogenic.

Literature cited by the submitters: PubMed 12414817; PubMed 16611712.

NM_020632.3(ATP6V0A4):c.826del (p.Gln276fs)

Gene: ATP6V0A4 (ATPase H+ transporting V0 subunit a4; minus strand). Cytogenetic location: 7q34.
Variant type: Deletion.
Coding change: c.826del on transcript NM_020632.3 (MANE Select); coding-DNA position 826, one base deleted (C; older notation c.826delC).
Protein change: p.Gln276fs; shifts the reading frame from glutamine 276.
Molecular consequence: frameshift variant.
Genome position (GRCh38, 1-based): chr7:138,752,828, G deleted on the plus strand (C on the coding strand, the reverse complement: ATP6V0A4 is on the minus strand). VCF-style (leftmost placement, unchanged base first): chr7-138752827-TG-T. GRCh37 (hg19) VCF-style: chr7-138437572-TG-T.
Other names: c.826del, p.Gln276fs (NM_130840.3, NM_130841.3); short protein forms Q276fs.
Identifiers: ClinVar variation 4771504 (VCV004771504.1).
Genomic context (GRCh38, chr7:138,752,827, plus strand): 5'-AGCCAGGAGTGCCAGTTGGCAGCGGCTTCCTGCAGCAGGCGCTGGCGGTGAGACTCTGTT[TG>T]TGTTATGACCTATACAAAAAACAACACACAGGAAAACAGAGAACCTTCACAGAGCTGTTT-3'